The following is an entry in ClinVar:

ClinVar aggregate classification (germline): Uncertain significance (1 of 4 stars; one submission).

Conditions:
ALG6-congenital disorder of glycosylation 1C (CDG1C). Also called: CARBOHYDRATE-DEFICIENT GLYCOPROTEIN SYNDROME, TYPE I, WITH DEFICIENT GLYCOSYLATION OF DOLICHOL-LINKED OLIGOSACCHARIDE; CARBOHYDRATE-DEFICIENT GLYCOPROTEIN SYNDROME, TYPE V; Congenital disorder of glycosylation type 1C; Congenital disorder of glycosylation, type Ic; CDG Ic. Identifiers: Orphanet 79320, MedGen C2930997, MONDO:0011291, OMIM 603147.

Allele frequency attached by ClinVar (database versions not stated): gnomAD exomes below 0.00001; TOPMed 0.00001.
gnomAD v4.1: 1 of 1,613,730 alleles (0.000062%); highest among the groups gnomAD compares: Admixed American, 0.0017%; no homozygotes.

Submission:

Labcorp Genetics (formerly Invitae), Labcorp
Classification: Uncertain significance for ALG6-congenital disorder of glycosylation 1C. Last evaluated: 2022-08-31. Review status: criteria provided, single submitter. Criteria: Invitae Variant Classification Sherloc (09022015). Collection method: clinical testing. Allele origin: germline.
Comment: ClinVar contains an entry for this variant (Variation ID: 1511463). In summary, the available evidence is currently insufficient to determine the role of this variant in disease. Therefore, it has been classified as a Variant of Uncertain Significance. Algorithms developed to predict the effect of missense changes on protein structure and function (SIFT, PolyPhen-2, Align-GVGD) all suggest that this variant is likely to be disruptive. This variant has not been reported in the literature in individuals affected with ALG6-related conditions. This variant is not present in population databases (gnomAD no frequency). This sequence change replaces lysine, which is basic and polar, with glutamic acid, which is acidic and polar, at codon 109 of the ALG6 protein (p.Lys109Glu).

NM_013339.4(ALG6):c.325A>G (p.Lys109Glu)

Gene: ALG6 (ALG6 alpha-1,3-glucosyltransferase; plus strand). Cytogenetic location: 1p31.3.
Variant type: single nucleotide variant.
Coding change: c.325A>G on transcript NM_013339.4 (MANE Select); coding-DNA position 325, A replaced by G.
Protein change: p.Lys109Glu; replaces lysine 109 with glutamic acid.
Molecular consequence: missense variant.
Genome position (GRCh38, 1-based): chr1:63,404,520, A>G. VCF-style: chr1-63404520-A-G. GRCh37 (hg19) VCF-style: chr1-63870191-A-G.
Other names: short protein forms K109E.
Identifiers: ClinVar variation 1511463 (VCV001511463.6), dbSNP rs1644481094, ClinGen allele CA340634401.
Genomic context (GRCh38, chr1:63,404,520, plus strand): 5'-TTTATAAATCCAGACTGGATTGCTCTCCATACATCACGTGGATATGAGAGTCAGGCACAT[A>G]AGCTCTTCATGCGTACAACAGGTAAAAGAGCAATGGGTAGTGAATATAAAATTTGATTTT-3'
Protein context (NP_037471.2, residues 99-119): TSRGYESQAH[Lys109Glu]LFMRTTVLIA